The following is an entry in ClinVar:

ClinVar aggregate classification (germline): Conflicting classifications of pathogenicity. Review status: criteria provided, conflicting classifications (1 of 4 stars). 2 submissions from 2 submitters: Uncertain significance (1); Likely benign (1). Last evaluated 2025-10-21.

Conditions:
Inborn genetic diseases. Identifiers: MedGen C0950123, MeSH D030342.

Allele frequency attached by ClinVar (database versions not stated): gnomAD exomes below 0.00001; gnomAD 0.00001; TOPMed 0.00002; ESP Exome Variant Server 0.00008.
gnomAD v4.1: 2 of 1,613,610 alleles (0.00012%); highest among the groups gnomAD compares: African/African-American, 0.0013%; no homozygotes.

Submissions (2):

Ambry Genetics
Classification: Likely benign for Inborn genetic diseases. Last evaluated: 2025-10-21. Review status: criteria provided, single submitter. Criteria: Ambry Variant Classification Scheme 2023. Collection method: clinical testing. Allele origin: germline.

Labcorp Genetics (formerly Invitae), Labcorp
Classification: Uncertain significance. Last evaluated: 2024-12-09. Review status: criteria provided, single submitter. Criteria: Invitae Variant Classification Sherloc (09022015). Collection method: clinical testing. Allele origin: germline.
Comment: This sequence change replaces asparagine, which is neutral and polar, with aspartic acid, which is acidic and polar, at codon 367 of the RNF168 protein (p.Asn367Asp). The frequency data for this variant in the population databases is considered unreliable, as metrics indicate poor data quality at this position in the gnomAD database. This variant has not been reported in the literature in individuals affected with RNF168-related conditions. ClinVar contains an entry for this variant (Variation ID: 1397671). An algorithm developed to predict the effect of missense changes on protein structure and function outputs the following: PolyPhen-2: "Benign". The aspartic acid amino acid residue is found in multiple mammalian species, which suggests that this missense change does not adversely affect protein function. In summary, the available evidence is currently insufficient to determine the role of this variant in disease. Therefore, it has been classified as a Variant of Uncertain Significance.

NM_152617.4(RNF168):c.1099A>G (p.Asn367Asp)

Gene: RNF168 (ring finger protein 168; minus strand). Cytogenetic location: 3q29.
Variant type: single nucleotide variant.
Coding change: c.1099A>G on transcript NM_152617.4 (MANE Select); coding-DNA position 1099, A replaced by G.
Protein change: p.Asn367Asp; replaces asparagine 367 with aspartic acid.
Molecular consequence: missense variant.
Genome position (GRCh38, 1-based): chr3:196,472,436, T>C on the plus strand (A>G on the coding strand, the complement: RNF168 is on the minus strand). VCF-style: chr3-196472436-T-C. GRCh37 (hg19) VCF-style: chr3-196199307-T-C.
Other names: c.1099A>G (NM_152617.3); short protein forms N367D.
Identifiers: ClinVar variation 1397671 (VCV001397671.9), dbSNP rs149298083, ClinGen allele CA90839315.
Genomic context (GRCh38, chr3:196,472,436, plus strand): 5'-TGGAAATCTCCTTACTGATCAGTAGGCACGACTCTTCATTTTCTGTCTCACCTGTGTTGT[T>C]TCCATTTGTCTGTGTCACCCCTGATGTGGGGGCGCACCCACTTTCTGTTCTGCCACAAGG-3'
Protein context (NP_689830.2, residues 357-377): PTSGVTQTNG[Asn367Asp]NTGETENEES